The following is an entry in ClinVar:

NM_001385641.1(SAMD11):c.1585_1587del (p.Lys529del)

Gene: SAMD11 (sterile alpha motif domain containing 11; plus strand). Cytogenetic location: 1p36.33.
Variant type: Deletion.
Coding change: c.1585_1587del on transcript NM_001385641.1 (MANE Select); coding-DNA positions 1585 to 1587, 3 bases deleted (AAG; older notation c.1585_1587delAAG).
Protein change: p.Lys529del; deletes lysine 529.
Molecular consequence: inframe deletion.
Genome position (GRCh38, 1-based): chr1:942,590-942,592, AAG deleted; deleting any 3 consecutive bases within chr1:942,588-942,592 gives the same sequence; the c. name uses the placement nearest the transcript's 3' end. VCF-style (leftmost placement, unchanged base first): chr1-942587-CAGA-C. GRCh37 (hg19) VCF-style: chr1-877967-CAGA-C.
Other names: c.1588_1590del, p.Lys530del (NM_001385640.1); c.1096_1098del, p.Lys366del (NM_152486.4); short protein forms K366del, K529del, K530del.
Identifiers: ClinVar variation 849483 (VCV000849483.9), dbSNP rs1365443646, ClinGen allele CA520630559.

ClinVar aggregate classification (germline): Uncertain significance (1 of 4 stars; one submission).

Submission:

Labcorp Genetics (formerly Invitae), Labcorp
Classification: Uncertain significance. Last evaluated: 2025-03-17. Review status: criteria provided, single submitter. Criteria: Invitae Variant Classification Sherloc (09022015). Collection method: clinical testing. Allele origin: germline.
Comment: This variant, c.1096_1098del, results in the deletion of 1 amino acid(s) of the SAMD11 protein (p.Lys366del), but otherwise preserves the integrity of the reading frame. This variant is present in population databases (no rsID available, gnomAD 0.01%). This variant has not been reported in the literature in individuals affected with SAMD11-related conditions. ClinVar contains an entry for this variant (Variation ID: 849483). Experimental studies and prediction algorithms are not available or were not evaluated, and the functional significance of this variant is currently unknown. In summary, the available evidence is currently insufficient to determine the role of this variant in disease. Therefore, it has been classified as a Variant of Uncertain Significance.